The following is an entry in ClinVar:

NM_000744.7(CHRNA4):c.1395C>G (p.Ser465=)

Gene: CHRNA4 (cholinergic receptor nicotinic alpha 4 subunit; minus strand). Cytogenetic location: 20q13.33.
Variant type: single nucleotide variant.
Coding change: c.1395C>G on transcript NM_000744.7 (MANE Select); coding-DNA position 1395, C replaced by G.
Protein change: p.Ser465=; no amino-acid change (serine 465 retained).
Molecular consequence: synonymous variant. On other transcripts: non-coding transcript variant (1).
Genome position (GRCh38, 1-based): chr20:63,350,016, G>C on the plus strand (C>G on the coding strand, the complement: CHRNA4 is on the minus strand). VCF-style: chr20-63350016-G-C. GRCh37 (hg19) VCF-style: chr20-61981368-G-C.
Other names: c.867C>G, p.Ser289= (NM_001256573.2).
Identifiers: ClinVar variation 385889 (VCV000385889.4), dbSNP rs748016098, ClinGen allele CA16608486.

ClinVar aggregate classification (germline): Likely benign. Review status: criteria provided, multiple submitters, no conflicts (2 of 4 stars). 2 submissions from 2 submitters: Likely benign (2). Last evaluated 2023-04-25.

Conditions:
Familial sleep-related hypermotor epilepsy. Also called: Autosomal Dominant Sleep-Related Hypermotor (Hyperkinetic) Epilepsy. Identifiers: Orphanet 98784, MedGen C3696898, MONDO:0000030.

Submissions (2):

Labcorp Genetics (formerly Invitae), Labcorp
Classification: Likely benign. Last evaluated: 2023-04-25. Review status: criteria provided, single submitter. Criteria: Invitae Variant Classification Sherloc (09022015). Collection method: clinical testing. Allele origin: germline.

GeneDx
Classification: Likely benign. Last evaluated: 2016-05-09. Review status: criteria provided, single submitter. Criteria: GeneDx Variant Classification (06012015). Collection method: clinical testing. Allele origin: germline. Affected: yes.
Comment: This variant is considered likely benign or benign based on one or more of the following criteria: it is a conservative change, it occurs at a poorly conserved position in the protein, it is predicted to be benign by multiple in silico algorithms, and/or has population frequency not consistent with disease.